The following is an entry in ClinVar:

ClinVar aggregate classification (germline): Pathogenic. Review status: criteria provided, multiple submitters, no conflicts (2 of 4 stars). 3 submissions from 3 submitters: Pathogenic (3). Last evaluated 2025-03-03.

Conditions:
SRCAP-related disorder. Also called: SRCAP-related condition.
Floating-Harbor syndrome (FLHS). Also called: Short stature with delayed bone age, expressive language delay, a triangular face with a prominent nose and deep-set eyes; Pelletier-Leisti syndrome; SRCAP-Related Floating-Harbor Syndrome. Identifiers: Orphanet 2044, MedGen C0729582, MONDO:0007621, OMIM 136140.

Submissions (3):

Victorian Clinical Genetics Services, Murdoch Childrens Research Institute
Classification: Pathogenic for Floating-Harbor syndrome. Last evaluated: 2025-03-03. Review status: criteria provided, single submitter. Criteria: ACMG Guidelines, 2015. Collection method: clinical testing. Allele origin: germline. Affected: yes.
Comment: This variant is classified as Pathogenic. Evidence in support of pathogenic classification: Variant is predicted to result in a truncated protein (premature termination codon is NOT located at least 54 nucleotides upstream of the final exon-exon junction) with less than 1/3 of the protein sequence affected; Variant is absent from gnomAD (v2, v3 and v4); This variant has limited previous evidence of pathogenicity in unrelated individual(s). This variant has been classified once as pathogenic by a clinical laboratory (ClinVar). This variant has been reported in a mother and daughter displaying symptoms associated with Floating-Harbor syndrome (FHS; PMIDs: 23621943, 20358590); Other truncating variant(s) comparable to the one identified in this case have very strong previous evidence for pathogenicity (DECIPHER); Additional information: This variant is heterozygous; This gene is associated with autosomal dominant disease; Loss of function is a known mechanism of disease in this gene and is associated with developmental delay, hypotonia, musculoskeletal defects, and behavioural abnormalities (MIM#619595). Dominant negative is a suspected mechanism of Floating-Harbor syndrome (MIM#136140) due to the enrichment of protein truncating variants in the proximal portion of the last exon (PMID: 27208210, PMID: 33909990).

Blueprint Genetics
Classification: Pathogenic for SRCAP-related disorders. Last evaluated: 2022-08-12. Review status: criteria provided, single submitter. Criteria: ACMG Guidelines, 2015. Collection method: clinical testing. Allele origin: germline. Affected: yes. Observed: 1 variant allele.

GeneDx
Classification: Pathogenic. Last evaluated: 2015-09-08. Review status: criteria provided, single submitter. Criteria: GeneDx Variant Classification (06012015). Collection method: clinical testing. Allele origin: germline. Affected: yes.
Comment: The R2748X variant in the SRCAP gene has been reported previously in a mother and daughter with Floating-Harbor syndrome (Nikkel et al., 2013). This variant is predicted to cause loss of normal protein function through protein truncation. The R2748X variant was not observed in approximately 6,500 individuals of European and African American ancestry in the NHLBI Exome Sequencing Project, indicating it is not a common benign variant in these populations. We interpret R2748X as a pathogenic variant.

Literature cited by the submitters: PubMed 23621943 (cited by Victorian Clinical Genetics Services, Murdoch Childrens Research Institute); PubMed 20358590 (cited by Victorian Clinical Genetics Services, Murdoch Childrens Research Institute); PubMed 27208210 (cited by Victorian Clinical Genetics Services, Murdoch Childrens Research Institute); PubMed 33909990 (cited by Victorian Clinical Genetics Services, Murdoch Childrens Research Institute).

NM_006662.3(SRCAP):c.8242C>T (p.Arg2748Ter)

Gene: SRCAP (Snf2 related CREBBP activator protein; plus strand). Cytogenetic location: 16p11.2.
Variant type: single nucleotide variant.
Coding change: c.8242C>T on transcript NM_006662.3 (MANE Select); coding-DNA position 8242, C replaced by T.
Protein change: p.Arg2748Ter; replaces arginine 2748 with a stop codon.
Molecular consequence: nonsense.
Genome position (GRCh38, 1-based): chr16:30,738,282, C>T. VCF-style: chr16-30738282-C-T. GRCh37 (hg19) VCF-style: chr16-30749603-C-T.
Other names: short protein forms R2748*.
Identifiers: ClinVar variation 427015 (VCV000427015.5), dbSNP rs1085307899, ClinGen allele CA395636755.